The following is an entry in ClinVar:

NM_001875.5(CPS1):c.2633T>A (p.Leu878Ter)

Gene: CPS1 (carbamoyl-phosphate synthase 1; plus strand). Cytogenetic location: 2q34.
Variant type: single nucleotide variant.
Coding change: c.2633T>A on transcript NM_001875.5 (MANE Select); coding-DNA position 2633, T replaced by A.
Protein change: p.Leu878Ter; replaces leucine 878 with a stop codon.
Molecular consequence: nonsense. On other transcripts: non-coding transcript variant (2).
Genome position (GRCh38, 1-based): chr2:210,616,487, T>A. VCF-style: chr2-210616487-T-A. GRCh37 (hg19) VCF-style: chr2-211481211-T-A.
Other names: c.2633T>A, p.Leu878Ter (NM_001122633.3, NM_001369257.1); c.2666T>A, p.Leu889Ter (NM_001369256.1); short protein forms L878*, L889*.
Identifiers: ClinVar variation 983627 (VCV000983627.3), dbSNP rs1699310308, ClinGen allele CA350441545.

ClinVar aggregate classification (germline): Likely pathogenic (1 of 4 stars; one submission).

Conditions:
Congenital hyperammonemia, type I. Also called: Carbamoyl phosphate synthetase I deficiency disease; Carbamoyl phosphate synthetase 1 deficiency; Hyperammonemia due to carbamoyl phosphate synthetase 1 deficiency; CPS 1 deficiency; Carbamyl phosphate synthetase (CPS) deficiency; Carbamoyl-phosphate synthase I deficiency. Identifiers: Orphanet 147, MedGen C4082171, MONDO:0009376, OMIM 237300.

Submission:

Myriad Genetics, Inc.
Classification: Likely pathogenic for Congenital hyperammonemia, type I. Last evaluated: 2019-12-08. Review status: criteria provided, single submitter. Criteria: Myriad Women's Health Autosomal Recessive and X-Linked Classification Criteria (2019). Collection method: clinical testing. Allele origin: unknown.
Comment: NM_001875.4(CPS1):c.2633T>A(L878*) is expected to be pathogenic in the context of carbamoylphosphate synthetase I deficiency. This variant is predicted to lead to an abnormal or absent protein product due to the creation of a premature termination codon in CPS1, a gene where loss-of-function variants are known to be pathogenic. Please note: this variant was assessed in the context of healthy population screening.